The following is an entry in ClinVar:

NM_001145809.2(MYH14):c.5C>T (p.Ala2Val)

Gene: MYH14 (myosin heavy chain 14; plus strand). Cytogenetic location: 19q13.33.
Variant type: single nucleotide variant.
Coding change: c.5C>T on transcript NM_001145809.2 (MANE Select); coding-DNA position 5, C replaced by T.
Protein change: p.Ala2Val; replaces alanine 2 with valine.
Molecular consequence: missense variant.
Genome position (GRCh38, 1-based): chr19:50,210,370, C>T. VCF-style: chr19-50210370-C-T. GRCh37 (hg19) VCF-style: chr19-50713627-C-T.
Other names: c.5C>T, p.Ala2Val (NM_001077186.2, NM_024729.4); short protein forms A2V.
Identifiers: ClinVar variation 329903 (VCV000329903.6), dbSNP rs750407725, ClinGen allele CA9592168.

ClinVar aggregate classification (germline): Uncertain significance (1 of 4 stars; one submission).

Allele frequency attached by ClinVar (database versions not stated): gnomAD 0.00001; ExAC 0.00002; TOPMed 0.00002.
gnomAD v4.1: 4 of 1,587,086 alleles (0.00025%); highest among the groups gnomAD compares: Non-Finnish European, 0.00034%; no homozygotes.

Submission:

GeneDx
Classification: Uncertain significance. Last evaluated: 2024-09-05. Review status: criteria provided, single submitter. Criteria: GeneDx Variant Classification Process June 2021. Collection method: clinical testing. Allele origin: germline. Affected: yes.
Comment: Not observed at significant frequency in large population cohorts (gnomAD); In silico analysis indicates that this missense variant does not alter protein structure/function; Has not been previously published as pathogenic or benign to our knowledge